The following is an entry in ClinVar:

ClinVar aggregate classification (germline): Uncertain significance. Review status: criteria provided, multiple submitters, no conflicts (2 of 4 stars). 3 submissions from 3 submitters: Uncertain significance (3). Last evaluated 2026-02-09.

Conditions:
Inborn genetic diseases. Identifiers: MedGen C0950123, MeSH D030342.

Allele frequency attached by ClinVar (database versions not stated): gnomAD 0.00001; TOPMed 0.00001; gnomAD exomes 0.00003; ExAC 0.00008.
gnomAD v4.1: 25 of 1,613,962 alleles (0.0015%); highest among the groups gnomAD compares: Admixed American, 0.03%; no homozygotes.

Submissions (3):

GeneDx
Classification: Uncertain significance. Last evaluated: 2026-02-09. Review status: criteria provided, single submitter. Criteria: GeneDx Variant Classification Process June 2021. Collection method: clinical testing. Allele origin: germline.
Comment: In silico analysis suggests that this missense variant does not alter protein structure/function; Has not been previously published as pathogenic or benign to our knowledge

Ambry Genetics
Classification: Uncertain significance for Inborn genetic diseases. Last evaluated: 2025-05-18. Review status: criteria provided, single submitter. Criteria: Ambry Variant Classification Scheme 2023. Collection method: clinical testing. Allele origin: germline.

Labcorp Genetics (formerly Invitae), Labcorp
Classification: Uncertain significance. Last evaluated: 2024-10-23. Review status: criteria provided, single submitter. Criteria: Invitae Variant Classification Sherloc (09022015). Collection method: clinical testing. Allele origin: germline.
Comment: This sequence change replaces glutamic acid, which is acidic and polar, with glutamine, which is neutral and polar, at codon 368 of the MYO5B protein (p.Glu368Gln). The frequency data for this variant in the population databases is considered unreliable, as metrics indicate poor data quality at this position in the gnomAD database. This variant has not been reported in the literature in individuals affected with MYO5B-related conditions. ClinVar contains an entry for this variant (Variation ID: 1979256). Invitae Evidence Modeling of protein sequence and biophysical properties (such as structural, functional, and spatial information, amino acid conservation, physicochemical variation, residue mobility, and thermodynamic stability) indicates that this missense variant is not expected to disrupt MYO5B protein function with a negative predictive value of 80%. In summary, the available evidence is currently insufficient to determine the role of this variant in disease. Therefore, it has been classified as a Variant of Uncertain Significance.

NM_001080467.3(MYO5B):c.1102G>C (p.Glu368Gln)

Gene: MYO5B (myosin VB; minus strand). Cytogenetic location: 18q21.1.
Variant type: single nucleotide variant.
Coding change: c.1102G>C on transcript NM_001080467.3 (MANE Select); coding-DNA position 1102, G replaced by C.
Protein change: p.Glu368Gln; replaces glutamic acid 368 with glutamine.
Molecular consequence: missense variant.
Genome position (GRCh38, 1-based): chr18:49,974,570, C>G on the plus strand (G>C on the coding strand, the complement: MYO5B is on the minus strand). VCF-style: chr18-49974570-C-G. GRCh37 (hg19) VCF-style: chr18-47500940-C-G.
Other names: c.1102G>C (NM_001080467.2); short protein forms E368Q.
Identifiers: ClinVar variation 1979256 (VCV001979256.5), dbSNP rs762740043, ClinGen allele CA8961638.